The following is an entry in ClinVar:

NM_002617.4(PEX10):c.677T>C (p.Leu226Pro)

Gene: PEX10 (peroxisomal biogenesis factor 10; minus strand). Cytogenetic location: 1p36.32.
Variant type: single nucleotide variant.
Coding change: c.677T>C on transcript NM_002617.4 (MANE Select); coding-DNA position 677, T replaced by C.
Protein change: p.Leu226Pro; replaces leucine 226 with proline.
Molecular consequence: missense variant. On other transcripts: non-coding transcript variant (1).
Genome position (GRCh38, 1-based): chr1:2,406,819, A>G on the plus strand (T>C on the coding strand, the complement: PEX10 is on the minus strand). VCF-style: chr1-2406819-A-G. GRCh37 (hg19) VCF-style: chr1-2338258-A-G.
Other names: c.734T>C, p.Leu245Pro (NM_001374425.1); c.302T>C, p.Leu101Pro (NM_001374426.1); c.245T>C, p.Leu82Pro (NM_001374427.1); c.737T>C, p.Leu246Pro (NM_153818.2); short protein forms L101P, L245P, L226P, L82P, L246P.
Identifiers: ClinVar variation 853555 (VCV000853555.4), dbSNP rs746710198, ClinGen allele CA538073.

ClinVar aggregate classification (germline): Uncertain significance (1 of 4 stars; one submission).

Conditions:
Peroxisome biogenesis disorder, complementation group 7 (CG7). Also called: Peroxisome biogenesis disorder, complementation group B. Identifiers: MedGen C1864399.

Allele frequency attached by ClinVar (database versions not stated): gnomAD 0.00001; gnomAD exomes 0.00001 and 0.00002; ExAC 0.00003; TOPMed 0.00003.
gnomAD v4.1: 13 of 1,610,936 alleles (0.00081%); highest among the groups gnomAD compares: Admixed American, 0.012%; no homozygotes.

Submission:

Labcorp Genetics (formerly Invitae), Labcorp
Classification: Uncertain significance for Peroxisome biogenesis disorder, complementation group 7. Last evaluated: 2022-06-14. Review status: criteria provided, single submitter. Criteria: Invitae Variant Classification Sherloc (09022015). Collection method: clinical testing. Allele origin: germline.
Comment: This sequence change replaces leucine, which is neutral and non-polar, with proline, which is neutral and non-polar, at codon 246 of the PEX10 protein (p.Leu246Pro). This variant is present in population databases (rs746710198, gnomAD 0.02%). This variant has not been reported in the literature in individuals affected with PEX10-related conditions. ClinVar contains an entry for this variant (Variation ID: 853555). Algorithms developed to predict the effect of missense changes on protein structure and function are either unavailable or do not agree on the potential impact of this missense change (SIFT: "Deleterious"; PolyPhen-2: "Possibly Damaging"; Align-GVGD: "Class C0"). In summary, the available evidence is currently insufficient to determine the role of this variant in disease. Therefore, it has been classified as a Variant of Uncertain Significance.